The following is an entry in ClinVar:

NM_020366.4(RPGRIP1):c.1103A>G (p.Glu368Gly)

Gene: RPGRIP1 (RPGR interacting protein 1; plus strand). Cytogenetic location: 14q11.2.
Variant type: single nucleotide variant.
Coding change: c.1103A>G on transcript NM_020366.4 (MANE Select); coding-DNA position 1103, A replaced by G.
Protein change: p.Glu368Gly; replaces glutamic acid 368 with glycine.
Molecular consequence: missense variant.
Genome position (GRCh38, 1-based): chr14:21,312,458, A>G. VCF-style: chr14-21312458-A-G. GRCh37 (hg19) VCF-style: chr14-21780617-A-G.
Other names: short protein forms E368G.
Identifiers: ClinVar variation 955108 (VCV000955108.8), dbSNP rs774569329, ClinGen allele CA7088869.
Genomic context (GRCh38, chr14:21,312,458, plus strand): 5'-TAACATTTTATCTCAAGGGCTACTATCACTCTTAGTTTCAGGAGAGAGTTGAAGATTTGG[A>G]AAAAGAACGAAAATTGCTGAATGACAATTATGACAAACTCTTAGAAAGGTGAGTACCACA-3'
Protein context (NP_065099.3, residues 358-378): KEFQERVEDL[Glu368Gly]KERKLLNDNY

ClinVar aggregate classification (germline): Uncertain significance. Review status: criteria provided, multiple submitters, no conflicts (2 of 4 stars). 3 submissions from 3 submitters: Uncertain significance (3). Last evaluated 2025-11-24.

Conditions:
Inborn genetic diseases. Identifiers: MedGen C0950123, MeSH D030342.
Cone-rod dystrophy 13 (CORD13). Identifiers: Orphanet 1872, MedGen C2750720, MONDO:0011987, OMIM 608194.
Leber congenital amaurosis 6 (LCA6). Identifiers: Orphanet 65, MedGen C1854260, MONDO:0013446, OMIM 613826.

Allele frequency attached by ClinVar (database versions not stated): ExAC 0.00003; TOPMed 0.00004; gnomAD 0.00005; gnomAD exomes 0.00005 and 0.00006.
gnomAD v4.1: 86 of 1,610,822 alleles (0.0053%); highest among the groups gnomAD compares: Non-Finnish European, 0.007%; no homozygotes.

Submissions (3):

Ambry Genetics
Classification: Uncertain significance for Inborn genetic diseases. Last evaluated: 2025-11-24. Review status: criteria provided, single submitter. Criteria: Ambry Variant Classification Scheme 2023. Collection method: clinical testing. Allele origin: germline.

Blueprint Genetics
Classification: Uncertain significance. Last evaluated: 2024-06-26. Review status: criteria provided, single submitter. Criteria: ACMG Guidelines, 2015. Collection method: clinical testing. Allele origin: germline.

Labcorp Genetics (formerly Invitae), Labcorp
Classification: Uncertain significance for Leber congenital amaurosis 6; Cone-rod dystrophy 13. Last evaluated: 2022-10-17. Review status: criteria provided, single submitter. Criteria: Invitae Variant Classification Sherloc (09022015). Collection method: clinical testing. Allele origin: germline.
Comment: This sequence change replaces glutamic acid, which is acidic and polar, with glycine, which is neutral and non-polar, at codon 368 of the RPGRIP1 protein (p.Glu368Gly). This variant is present in population databases (rs774569329, gnomAD 0.01%). This variant has not been reported in the literature in individuals affected with RPGRIP1-related conditions. ClinVar contains an entry for this variant (Variation ID: 955108). Advanced modeling of protein sequence and biophysical properties (such as structural, functional, and spatial information, amino acid conservation, physicochemical variation, residue mobility, and thermodynamic stability) performed at Invitae indicates that this missense variant is expected to disrupt RPGRIP1 protein function. In summary, the available evidence is currently insufficient to determine the role of this variant in disease. Therefore, it has been classified as a Variant of Uncertain Significance.